The following is an entry in ClinVar:

NM_002528.7(NTHL1):c.269A>T (p.Asn90Ile)

Gene: NTHL1 (nth like DNA glycosylase 1; minus strand). Cytogenetic location: 16p13.3.
Variant type: single nucleotide variant.
Coding change: c.269A>T on transcript NM_002528.7 (MANE Select); coding-DNA position 269, A replaced by T.
Protein change: p.Asn90Ile; replaces asparagine 90 with isoleucine.
Molecular consequence: missense variant. On other transcripts: intron variant (1).
Genome position (GRCh38, 1-based): chr16:2,046,213, T>A on the plus strand (A>T on the coding strand, the complement: NTHL1 is on the minus strand). VCF-style: chr16-2046213-T-A. GRCh37 (hg19) VCF-style: chr16-2096214-T-A.
Other names: c.269A>T, p.Asn90Ile (LRG_1366t1, NM_001318193.2); c.24+67A>T (NM_001318194.2); short protein forms N90I.
Identifiers: ClinVar variation 655138 (VCV000655138.15), dbSNP rs1442043769, ClinGen allele CA394296898.

ClinVar aggregate classification (germline): Uncertain significance. Review status: criteria provided, multiple submitters, no conflicts (2 of 4 stars). 3 submissions from 3 submitters: Uncertain significance (3). Last evaluated 2025-11-02.

Conditions:
Hereditary cancer-predisposing syndrome. Also called: Hereditary neoplastic syndrome; Tumor predisposition; Neoplastic Syndromes, Hereditary; Hereditary Cancer Syndrome. Identifiers: Orphanet 140162, MedGen C0027672, MeSH D009386, MONDO:0015356.

Allele frequency attached by ClinVar (database versions not stated): TOPMed 0.00002.
gnomAD v4.1: 5 of 1,613,120 alleles (0.00031%); highest among the groups gnomAD compares: Non-Finnish European, 0.00042%; no homozygotes.

Submissions (3):

Labcorp Genetics (formerly Invitae), Labcorp
Classification: Uncertain significance. Last evaluated: 2025-11-02. Review status: criteria provided, single submitter. Criteria: Invitae Variant Classification Sherloc (09022015). Collection method: clinical testing. Allele origin: germline.
Comment: This sequence change replaces asparagine, which is neutral and polar, with isoleucine, which is neutral and non-polar, at codon 98 of the NTHL1 protein (p.Asn98Ile). This variant is not present in population databases (gnomAD no frequency). This variant has not been reported in the literature in individuals affected with NTHL1-related conditions. ClinVar contains an entry for this variant (Variation ID: 655138). An algorithm developed to predict the effect of missense changes on protein structure and function (PolyPhen-2) suggests that this variant is likely to be tolerated. In summary, the available evidence is currently insufficient to determine the role of this variant in disease. Therefore, it has been classified as a Variant of Uncertain Significance.

Ambry Genetics
Classification: Uncertain significance for Hereditary cancer-predisposing syndrome. Last evaluated: 2025-03-28. Review status: criteria provided, single submitter. Criteria: Ambry Variant Classification Scheme 2023. Collection method: clinical testing. Allele origin: germline.
Comment: The p.N98I variant (also known as c.293A>T), located in coding exon 2 of the NTHL1 gene, results from an A to T substitution at nucleotide position 293. The asparagine at codon 98 is replaced by isoleucine, an amino acid with dissimilar properties. This amino acid position is not well conserved in available vertebrate species. In addition, this alteration is predicted to be tolerated by in silico analysis. Since supporting evidence is limited at this time, the clinical significance of this alteration remains unclear.

GeneDx
Classification: Uncertain significance. Last evaluated: 2023-05-02. Review status: criteria provided, single submitter. Criteria: GeneDx Variant Classification Process June 2021. Collection method: clinical testing. Allele origin: germline. Affected: yes.
Comment: In silico analysis supports that this missense variant has a deleterious effect on protein structure/function; Not observed at significant frequency in large population cohorts (gnomAD); Has not been previously published as pathogenic or benign to our knowledge